The following is an entry in ClinVar:

ClinVar aggregate classification (germline): Uncertain significance (1 of 4 stars; one submission).

Submission:

GeneDx
Classification: Uncertain significance. Last evaluated: 2026-03-26. Review status: criteria provided, single submitter. Criteria: GeneDx Variant Classification Process June 2021. Collection method: clinical testing. Allele origin: germline.
Comment: Not observed at significant frequency in large population cohorts (gnomAD); In silico analysis supports that this missense variant has a deleterious effect on protein structure/function; Has not been previously published as pathogenic or benign to our knowledge

NM_001256012.3(MYH10):c.866G>T (p.Arg289Leu)

Gene: MYH10 (myosin heavy chain 10; minus strand). Cytogenetic location: 17p13.1.
Variant type: single nucleotide variant.
Coding change: c.866G>T on transcript NM_001256012.3 (MANE Select); coding-DNA position 866, G replaced by T.
Protein change: p.Arg289Leu; replaces arginine 289 with leucine.
Molecular consequence: missense variant.
Genome position (GRCh38, 1-based): chr17:8,552,099, C>A on the plus strand (G>T on the coding strand, the complement: MYH10 is on the minus strand). VCF-style: chr17-8552099-C-A. GRCh37 (hg19) VCF-style: chr17-8455417-C-A.
Other names: c.863G>T, p.Arg288Leu (NM_001256095.2); c.866G>T, p.Arg289Leu (NM_001375266.1); c.836G>T, p.Arg279Leu (NM_005964.5); short protein forms R279L, R288L, R289L.
Identifiers: ClinVar variation 5016800 (VCV005016800.1).